The following is an entry in ClinVar:

NM_000173.7(GP1BA):c.176T>C (p.Leu59Pro)

Gene: GP1BA (glycoprotein Ib platelet subunit alpha; plus strand). Cytogenetic location: 17p13.2.
Variant type: single nucleotide variant.
Coding change: c.176T>C on transcript NM_000173.7 (MANE Select); coding-DNA position 176, T replaced by C.
Protein change: p.Leu59Pro; replaces leucine 59 with proline.
Molecular consequence: missense variant.
Genome position (GRCh38, 1-based): chr17:4,932,780, T>C. VCF-style: chr17-4932780-T-C. GRCh37 (hg19) VCF-style: chr17-4836075-T-C.
Other names: short protein forms L59P.
Identifiers: ClinVar variation 2630317 (VCV002630317.1), dbSNP rs2507591972, ClinGen allele CA397314877.

ClinVar aggregate classification (germline): Uncertain significance (1 of 4 stars; one submission).

Conditions:
GP1BA-related disorder. Also called: GP1BA-related condition.

Allele frequency attached by ClinVar (database versions not stated): gnomAD exomes below 0.00001.
gnomAD v4.1: 1 of 1,614,006 alleles (0.000062%); highest among the groups gnomAD compares: South Asian, 0.0011%; no homozygotes.

Submission:

PreventionGenetics, part of Exact Sciences
Classification: Uncertain significance for GP1BA-related condition. Last evaluated: 2023-02-21. Review status: criteria provided, single submitter. Criteria: ACMG Guidelines, 2015. Collection method: clinical testing. Allele origin: germline.
Comment: The GP1BA c.176T>C variant is predicted to result in the amino acid substitution p.Leu59Pro. To our knowledge, this variant has not been reported in the literature or in a large population database, indicating this variant is rare. A different nucleotide substitution affecting the same amino acid (p.Leu59Arg) has been reported to segregate in the heterozygous state in a family with autosomal dominant Bernard-Soulier syndrome (Trizuljak et al. 2018. PubMed ID: 30332551). At this time, the clinical significance of the c.176T>C (p.Leu59Pro) variant is uncertain due to the absence of conclusive functional and genetic evidence.